The following is an entry in ClinVar:

ClinVar aggregate classification (germline): Uncertain significance (1 of 4 stars; one submission).

Conditions:
Hereditary cancer-predisposing syndrome. Also called: Neoplastic Syndromes, Hereditary; Tumor predisposition; Hereditary Cancer Syndrome; Hereditary neoplastic syndrome. Identifiers: Orphanet 140162, MedGen C0027672, MeSH D009386, MONDO:0015356.

Submission:

Ambry Genetics
Classification: Uncertain significance for Hereditary cancer-predisposing syndrome. Last evaluated: 2022-06-16. Review status: criteria provided, single submitter. Criteria: Ambry Variant Classification Scheme 2023. Collection method: clinical testing. Allele origin: germline.
Comment: The p.S1195I variant (also known as c.3584G>T), located in coding exon 7 of the MSH6 gene, results from a G to T substitution at nucleotide position 3584. The serine at codon 1195 is replaced by isoleucine, an amino acid with dissimilar properties. This amino acid position is conserved. In addition, this alteration is predicted to be deleterious by in silico analysis. Since supporting evidence is limited at this time, the clinical significance of this alteration remains unclear.

NM_000179.3(MSH6):c.3584G>T (p.Ser1195Ile)

Gene: MSH6 (mutS homolog 6; plus strand). Cytogenetic location: 2p16.3.
Variant type: single nucleotide variant.
Coding change: c.3584G>T on transcript NM_000179.3 (MANE Select); coding-DNA position 3584, G replaced by T.
Protein change: p.Ser1195Ile; replaces serine 1195 with isoleucine.
Molecular consequence: missense variant.
Genome position (GRCh38, 1-based): chr2:47,805,645, G>T. VCF-style: chr2-47805645-G-T. GRCh37 (hg19) VCF-style: chr2-48032784-G-T.
Other names: c.3194G>T, p.Ser1065Ile (NM_001281492.2); c.2678G>T, p.Ser893Ile (NM_001281493.2, NM_001281494.2, NM_001406811.1 and 6 more transcripts); c.3680G>T, p.Ser1227Ile (NM_001406795.1, NM_001406802.1); c.3584G>T, p.Ser1195Ile (NM_001406796.1, NM_001406800.1, NM_001406808.1 and 1 more transcripts); c.3287G>T, p.Ser1096Ile (NM_001406797.1, NM_001406801.1, NM_001406805.1 and 10 more transcripts); c.3410G>T, p.Ser1137Ile (NM_001406798.1); c.3059G>T, p.Ser1020Ile (NM_001406799.1, NM_001406806.1, NM_001406807.1); c.2720G>T, p.Ser907Ile (NM_001406803.1); and 7 more; short protein forms S1020I, S1096I, S1137I, S1139I, S1169I, S1227I, S144I, S510I.
Identifiers: ClinVar variation 1732927 (VCV001732927.2), dbSNP rs758428552, ClinGen allele CA346760522.